The following is an entry in ClinVar:

ClinVar aggregate classification (germline): Benign/Likely benign. Review status: criteria provided, multiple submitters, no conflicts (2 of 4 stars). 4 submissions from 4 submitters: Benign (1); Likely benign (2). 1 of the submissions does not count toward it. Last evaluated 2025-12-06.

Conditions:
Hereditary cancer-predisposing syndrome. Also called: Neoplastic Syndromes, Hereditary; Tumor predisposition; Hereditary Cancer Syndrome; Hereditary neoplastic syndrome. Identifiers: Orphanet 140162, MedGen C0027672, MeSH D009386, MONDO:0015356.
Familial cancer of breast. Also called: Hereditary breast cancer; BREAST CANCER, FAMILIAL; hereditary breast carcinoma. Identifiers: Orphanet 227535, MedGen C0346153, MONDO:0016419, OMIM 114480. Disease mechanism: loss of function.
Ataxia-telangiectasia syndrome (AT). Also called: Ataxia telangiectasia (A-T); Ataxia-telangiectasia, complementation group D; AT, COMPLEMENTATION GROUP C; ATAXIA-TELANGIECTASIA, COMPLEMENTATION GROUP A; Ataxia-telangiectasia, complementation group E; ATAXIA-TELANGIECTASIA, FRESNO VARIANT. Identifiers: Orphanet 100, MedGen C0004135, MONDO:0008840, OMIM 208900.

Allele frequency attached by ClinVar (database versions not stated): gnomAD exomes below 0.00001; TOPMed below 0.00001.
gnomAD v4.1: 2 of 1,613,840 alleles (0.00012%); highest among the groups gnomAD compares: Admixed American, 0.0033%; no homozygotes.

Submissions (4):

Labcorp Genetics (formerly Invitae), Labcorp
Classification: Likely benign for Ataxia-telangiectasia syndrome. Last evaluated: 2025-12-06. Review status: criteria provided, single submitter. Criteria: Invitae Variant Classification Sherloc (09022015). Collection method: clinical testing. Allele origin: germline.

Myriad Genetics, Inc.
Classification: Benign for Familial cancer of breast. Last evaluated: 2024-04-22. Review status: criteria provided, single submitter. Criteria: Myriad Autosomal Dominant, Autosomal Recessive and X-Linked Classification Criteria (2023). Collection method: clinical testing. Allele origin: unknown.
Comment: This variant is considered benign. This variant is a silent/synonymous amino acid change and it is not expected to impact splicing.

Ambry Genetics
Classification: Likely benign for Hereditary cancer-predisposing syndrome. Last evaluated: 2020-03-28. Review status: criteria provided, single submitter. Criteria: Ambry Variant Classification Scheme 2023. Collection method: clinical testing. Allele origin: germline.

True Health Diagnostics
Classification: Uncertain significance for Hereditary cancer-predisposing syndrome. Last evaluated: 2018-03-19. Review status: no assertion criteria provided. Collection method: clinical testing. Allele origin: germline. Not counted in ClinVar's aggregate classification.

NM_000051.4(ATM):c.720C>T (p.Leu240=)

Gene: ATM (ATM serine/threonine kinase; plus strand). Cytogenetic location: 11q22.3.
Variant type: single nucleotide variant.
Coding change: c.720C>T on transcript NM_000051.4 (MANE Select); coding-DNA position 720, C replaced by T.
Protein change: p.Leu240=; no amino-acid change (leucine 240 retained).
Molecular consequence: synonymous variant.
Genome position (GRCh38, 1-based): chr11:108,244,845, C>T. VCF-style: chr11-108244845-C-T. GRCh37 (hg19) VCF-style: chr11-108115572-C-T.
Other names: c.720C>T, p.Leu240= (NM_001351834.2).
Identifiers: ClinVar variation 560728 (VCV000560728.13), dbSNP rs1254593530, ClinGen allele CA476744658.